The following is an entry in ClinVar:

ClinVar aggregate classification (germline): Conflicting classifications of pathogenicity. Review status: criteria provided, conflicting classifications (1 of 4 stars). 2 submissions from 2 submitters: Uncertain significance (1); Likely benign (1). Last evaluated 2025-05-16.

Conditions:
Hereditary cancer-predisposing syndrome. Also called: Hereditary Cancer Syndrome; Hereditary neoplastic syndrome; Neoplastic Syndromes, Hereditary; Tumor predisposition. Identifiers: Orphanet 140162, MedGen C0027672, MeSH D009386, MONDO:0015356.

Submissions (2):

Ambry Genetics
Classification: Likely benign for Hereditary cancer-predisposing syndrome. Last evaluated: 2025-05-16. Review status: criteria provided, single submitter. Criteria: Ambry Variant Classification Scheme 2023. Collection method: clinical testing. Allele origin: germline.

Color Diagnostics, LLC DBA Color Health
Classification: Uncertain significance for Hereditary cancer-predisposing syndrome. Last evaluated: 2023-12-30. Review status: criteria provided, single submitter. Criteria: ACMG Guidelines, 2015. Collection method: clinical testing. Allele origin: germline.
Comment: This missense variant replaces valine with phenylalanine at codon 3079 of the BRCA2 protein. Computational prediction is inconclusive regarding the impact of this variant on protein structure and function (internally defined REVEL score threshold 0.5 < inconclusive < 0.7, PMID: 27666373). To our knowledge, functional studies have not been reported for this variant. This variant has not been reported in individuals affected with BRCA2-related disorders in the literature. This variant has not been identified in the general population by the Genome Aggregation Database (gnomAD). The available evidence is insufficient to determine the role of this variant in disease conclusively. Therefore, this variant is classified as a Variant of Uncertain Significance.

NM_000059.4(BRCA2):c.9235G>T (p.Val3079Phe)

Gene: BRCA2 (BRCA2 DNA repair associated; plus strand). Cytogenetic location: 13q13.1.
Variant type: single nucleotide variant.
Coding change: c.9235G>T on transcript NM_000059.4 (MANE Select); coding-DNA position 9235, G replaced by T.
Protein change: p.Val3079Phe; replaces valine 3079 with phenylalanine.
Molecular consequence: missense variant.
Genome position (GRCh38, 1-based): chr13:32,380,124, G>T. VCF-style: chr13-32380124-G-T. GRCh37 (hg19) VCF-style: chr13-32954261-G-T.
Other names: c.9139G>T, p.Val3047Phe (NM_001406719.1); c.9184G>T, p.Val3062Phe (NM_001406720.1); c.4303G>T, p.Val1435Phe (NM_001406721.1); c.2818G>T, p.Val940Phe (NM_001406722.1); short protein forms V1435F, V940F, V3047F, V3062F, V3079F.
Identifiers: ClinVar variation 1766272 (VCV001766272.4), dbSNP rs55933907, ClinGen allele CA247495088.